The following is an entry in ClinVar:

ClinVar aggregate classification (germline): Uncertain significance (1 of 4 stars; one submission).

Conditions:
3-methylglutaconic aciduria, type VIIB (MGCA7B). Also called: CLPB Deficiency; 3-methylglutaconic aciduria with cataracts, neurologic involvement and neutropenia; 3-methylglutaconic aciduria, type VII, with cataracts, neurologic involvement and neutropenia. Identifiers: Orphanet 445038, MedGen C5676893, MONDO:0014561, OMIM 616271.

gnomAD v4.1: 6 of 1,614,010 alleles (0.00037%); highest among the groups gnomAD compares: Non-Finnish European, 0.00051%; no homozygotes.

Submission:

Labcorp Genetics (formerly Invitae), Labcorp
Classification: Uncertain significance for 3-methylglutaconic aciduria, type VIIB. Last evaluated: 2021-06-13. Review status: criteria provided, single submitter. Criteria: Invitae Variant Classification Sherloc (09022015). Collection method: clinical testing. Allele origin: germline.
Comment: In summary, the available evidence is currently insufficient to determine the role of this variant in disease. Therefore, it has been classified as a Variant of Uncertain Significance. Algorithms developed to predict the effect of missense changes on protein structure and function are either unavailable or do not agree on the potential impact of this missense change (SIFT: "Deleterious"; PolyPhen-2: "Benign"; Align-GVGD: "Class C0"). This variant has not been reported in the literature in individuals with CLPB-related conditions. This variant is not present in population databases (ExAC no frequency). This sequence change replaces threonine with serine at codon 535 of the CLPB protein (p.Thr535Ser). The threonine residue is highly conserved and there is a small physicochemical difference between threonine and serine.

NM_001258392.3(CLPB):c.1514C>G (p.Thr505Ser)

Gene: CLPB (ClpB family mitochondrial disaggregase; minus strand). Cytogenetic location: 11q13.4.
Variant type: single nucleotide variant.
Coding change: c.1514C>G on transcript NM_001258392.3 (MANE Select); coding-DNA position 1514, C replaced by G.
Protein change: p.Thr505Ser; replaces threonine 505 with serine.
Molecular consequence: missense variant.
Genome position (GRCh38, 1-based): chr11:72,294,666, G>C on the plus strand (C>G on the coding strand, the complement: CLPB is on the minus strand). VCF-style: chr11-72294666-G-C. GRCh37 (hg19) VCF-style: chr11-72005710-G-C.
Other names: c.1427C>G, p.Thr476Ser (NM_001258393.3); c.1469C>G, p.Thr490Ser (NM_001258394.3); c.1604C>G, p.Thr535Ser (NM_030813.6); short protein forms T505S, T476S, T490S, T535S.
Identifiers: ClinVar variation 1360938 (VCV001360938.8), dbSNP rs200812003, ClinGen allele CA381727116.
Genomic context (GRCh38, chr11:72,294,666, plus strand): 5'-GAAAGACCTCTTACTTTCAGGATAGGGCGAATCACATTCTCCTTGAAGTTCTTTGAGATG[G>C]TGATCTTGTCACTTATCTGGACATCCCCTGTGGAGAAGAATCATAAACTGCTTATTCCCC-3'
Protein context (NP_001245321.1, residues 495-515): LGDVQISDKI[Thr505Ser]ISKNFKENVI